The following is an entry in ClinVar:

ClinVar aggregate classification (germline): Pathogenic (1 of 4 stars; one submission).

Conditions:
Hypertrophic cardiomyopathy 26. Also called: Cardiomyopathy, familial hypertrophic, 26. Identifiers: Orphanet 75249, MedGen C4310749, MONDO:0014883, OMIM 617047.
Distal myopathy with posterior leg and anterior hand involvement. Also called: WILLIAMS DISTAL MYOPATHY. Identifiers: Orphanet 63273, MedGen C3279722, MONDO:0013550, OMIM 614065.
Myofibrillar myopathy 5. Also called: FILAMINOPATHY, AUTOSOMAL DOMINANT; Filaminopathy (type). Identifiers: Orphanet 171445, MedGen C1836050, MONDO:0012289, OMIM 609524.

Allele frequency attached by ClinVar (database versions not stated): TOPMed below 0.00001; gnomAD 0.00001.

Submission:

Labcorp Genetics (formerly Invitae), Labcorp
Classification: Pathogenic for Distal myopathy with posterior leg and anterior hand involvement; Myofibrillar myopathy 5; Hypertrophic cardiomyopathy 26. Last evaluated: 2022-10-23. Review status: criteria provided, single submitter. Criteria: Invitae Variant Classification Sherloc (09022015). Collection method: clinical testing. Allele origin: germline.
Comment: This sequence change creates a premature translational stop signal (p.Thr1227Asnfs*35) in the FLNC gene. It is expected to result in an absent or disrupted protein product. Loss-of-function variants in FLNC are known to be pathogenic (PMID: 27908349). For these reasons, this variant has been classified as Pathogenic. This variant has not been reported in the literature in individuals affected with FLNC-related conditions. This variant is not present in population databases (gnomAD no frequency).

Literature cited by the submitters: PubMed 27908349.

NM_001458.5(FLNC):c.3679dup (p.Thr1227fs)

Gene: FLNC (filamin C; plus strand). Cytogenetic location: 7q32.1.
Variant type: Duplication.
Coding change: c.3679dup on transcript NM_001458.5 (MANE Select); coding-DNA position 3679, one base duplicated (A; older notation c.3679dupA).
Protein change: p.Thr1227fs; shifts the reading frame from threonine 1227.
Molecular consequence: frameshift variant.
Genome position (GRCh38, 1-based): chr7:128,845,144, A duplicated. VCF-style (leftmost placement, unchanged base first): chr7-128845143-T-TA. GRCh37 (hg19) VCF-style: chr7-128485197-T-TA.
Other names: c.3679dup, p.Thr1227fs (NM_001127487.2); short protein forms T1227fs.
Identifiers: ClinVar variation 2036561 (VCV002036561.4), dbSNP rs1808506924, ClinGen allele CA1107053651.
Genomic context (GRCh38, chr7:128,845,143, plus strand): 5'-CAACGCGGATGGCACCTACCACATCACCTACAGCCCTGCCTTCCCTGGCACCTACACCAT[T>TA]ACCATCAAGTATGGCGGGCATCCCGTGCCCAAATTCCCCACCCGTGTCCATGTGCAGCCT-3'